The following is an entry in ClinVar:

NM_003107.3(SOX4):c.1097C>T (p.Ala366Val)

Gene: SOX4 (SRY-box transcription factor 4; plus strand). Cytogenetic location: 6p22.3.
Variant type: single nucleotide variant.
Coding change: c.1097C>T on transcript NM_003107.3 (MANE Select); coding-DNA position 1097, C replaced by T.
Protein change: p.Ala366Val; replaces alanine 366 with valine.
Molecular consequence: missense variant.
Genome position (GRCh38, 1-based): chr6:21,595,631, C>T. VCF-style: chr6-21595631-C-T. GRCh37 (hg19) VCF-style: chr6-21595862-C-T.
Other names: short protein forms A366V.
Identifiers: ClinVar variation 3730897 (VCV003730897.1).

ClinVar aggregate classification (germline): Uncertain significance (1 of 4 stars; one submission).

Submission:

GeneDx
Classification: Uncertain significance. Last evaluated: 2024-08-12. Review status: criteria provided, single submitter. Criteria: GeneDx Variant Classification Process June 2021. Collection method: clinical testing. Allele origin: germline. Affected: yes.
Comment: Not observed at significant frequency in large population cohorts (gnomAD); In silico analysis indicates that this missense variant does not alter protein structure/function; Has not been previously published as pathogenic or benign to our knowledge